The following is an entry in ClinVar:

NM_017635.5(KMT5B):c.1032_1033insC (p.Ile345fs)

Gene: KMT5B (lysine methyltransferase 5B; minus strand). Cytogenetic location: 11q13.2.
Variant type: Insertion.
Coding change: c.1032_1033insC on transcript NM_017635.5 (MANE Select); coding-DNA positions 1032 to 1033, C inserted.
Protein change: p.Ile345fs; shifts the reading frame from isoleucine 345.
Molecular consequence: frameshift variant. On other transcripts: non-coding transcript variant (3).
Genome position: GRCh38 VCF-style: chr11-68167123-T-TG. GRCh37 (hg19) VCF-style: chr11-67934590-T-TG.
Other names: c.516_517insC, p.Ile173fs (NM_001300907.1, NM_001369424.1, NM_001369428.1 and 5 more transcripts); c.312_313insC, p.Ile105fs (NM_001300908.2); c.963_964insC, p.Ile322fs (NM_001300909.2); c.1032_1033insC, p.Ile345fs (NM_001363566.2, NM_001369426.1, NM_001369427.1 and 1 more transcripts); c.819_820insC, p.Ile274fs (NM_001369425.1); short protein forms I105fs, I173fs, I274fs, I322fs, I345fs.
Identifiers: ClinVar variation 3061341 (VCV003061341.2), dbSNP rs2496321996, ClinGen allele CA2740093087.

ClinVar aggregate classification (germline): Likely pathogenic (0 of 4 stars; one submission).

Conditions:
KMT5B-related disorder. Also called: KMT5B-related condition.

Submission:

PreventionGenetics, part of Exact Sciences
Classification: Likely pathogenic for KMT5B-related condition. Last evaluated: 2024-02-26. Review status: no assertion criteria provided. Collection method: clinical testing. Allele origin: germline.
Comment: The KMT5B c.1032_1033insC variant is predicted to result in a frameshift and premature protein termination (p.Ile345Hisfs*3). To our knowledge, this variant has not been reported in the literature or in a large population database, indicating this variant is rare. Frameshift variants in KMT5B are expected to be pathogenic. This variant is interpreted as likely pathogenic.